The following is an entry in ClinVar:

NM_002361.4(MAG):c.1104G>A (p.Thr368=)

Gene: MAG (myelin associated glycoprotein; plus strand). Cytogenetic location: 19q13.12.
Variant type: single nucleotide variant.
Coding change: c.1104G>A on transcript NM_002361.4 (MANE Select); coding-DNA position 1104, G replaced by A.
Protein change: p.Thr368=; no amino-acid change (threonine 368 retained).
Molecular consequence: synonymous variant.
Genome position (GRCh38, 1-based): chr19:35,302,581, G>A. VCF-style: chr19-35302581-G-A. GRCh37 (hg19) VCF-style: chr19-35793484-G-A.
Other names: c.1104G>A, p.Thr368= (NM_080600.3); c.1029G>A, p.Thr343= (NM_001199216.2).
Identifiers: ClinVar variation 475606 (VCV000475606.17), dbSNP rs140483946, ClinGen allele CA9376172.
Genomic context (GRCh38, chr19:35,302,581, plus strand): 5'-CACACAGAGCAACCCGGACCCTATTCTCACCATCTTCAAGGAGAAGCAGATCCTGTCCAC[G>A]GTCATCTACGAGAGCGAGCTGCAGCTGGAGCTGCCGGCCGTGTCACCCGAGGATGATGGA-3'
Protein context (NP_002352.1, residues 358-378): TIFKEKQILS[Thr368=]VIYESELQLE

ClinVar aggregate classification (germline): Benign/Likely benign. Review status: criteria provided, multiple submitters, no conflicts (2 of 4 stars). 4 submissions from 4 submitters: Benign (2); Likely benign (1). 1 of the submissions does not count toward it. Last evaluated 2026-06-01.

Conditions:
Hereditary spastic paraplegia 75. Also called: Spastic paraplegia 75, autosomal recessive. Identifiers: Orphanet 459056, MedGen C4225250, MONDO:0014729, OMIM 616680.
MAG-related disorder. Also called: MAG-related condition.

Allele frequency attached by ClinVar (database versions not stated): gnomAD exomes 0.00031 and 0.00051; ExAC 0.00066; gnomAD 0.00186 and 0.00196; 1000 Genomes Project 30x 0.00187; ESP Exome Variant Server 0.00208; TOPMed 0.00211; 1000 Genomes Project 0.00220.
gnomAD v4.1: 749 of 1,614,176 alleles (0.046%); highest among the groups gnomAD compares: African/African-American, 0.58%; no homozygotes.

Submissions (4):

CeGaT Center for Human Genetics Tuebingen
Classification: Likely benign. Last evaluated: 2026-06-01. Review status: criteria provided, single submitter. Criteria: CeGaT Center For Human Genetics Tuebingen Variant Classification Criteria Version 2. Collection method: clinical testing. Allele origin: germline. Affected: yes. Observed: 1 variant allele.
Comment: MAG: BP4, BP7

Labcorp Genetics (formerly Invitae), Labcorp
Classification: Benign for Hereditary spastic paraplegia 75. Last evaluated: 2025-12-23. Review status: criteria provided, single submitter. Criteria: Invitae Variant Classification Sherloc (09022015). Collection method: clinical testing. Allele origin: germline.

Breakthrough Genomics
Classification: Benign. Review status: criteria provided, single submitter. Criteria: ACMG Guidelines, 2015. Collection method: not provided. Allele origin: germline. Inheritance: Autosomal recessive inheritance. Affected: yes.

PreventionGenetics, part of Exact Sciences
Classification: Likely benign for MAG-related condition. Last evaluated: 2024-08-07. Review status: no assertion criteria provided. Collection method: clinical testing. Allele origin: germline. Not counted in ClinVar's aggregate classification.
Comment: This variant is classified as likely benign based on ACMG/AMP sequence variant interpretation guidelines (Richards et al. 2015 PMID: 25741868, with internal and published modifications).